The following is an entry in ClinVar:

NM_023036.6(DNAI2):c.335A>G (p.Gln112Arg)

Gene: DNAI2 (dynein axonemal intermediate chain 2; plus strand). Cytogenetic location: 17q25.1.
Variant type: single nucleotide variant.
Coding change: c.335A>G on transcript NM_023036.6 (MANE Select); coding-DNA position 335, A replaced by G.
Protein change: p.Gln112Arg; replaces glutamine 112 with arginine.
Molecular consequence: missense variant. On other transcripts: non-coding transcript variant (1).
Genome position (GRCh38, 1-based): chr17:74,285,191, A>G. VCF-style: chr17-74285191-A-G. GRCh37 (hg19) VCF-style: chr17-72281330-A-G.
Other names: c.335A>G, p.Gln112Arg (NM_001172810.3, NM_001353167.2); short protein forms Q112R.
Identifiers: ClinVar variation 1007938 (VCV001007938.9), dbSNP rs2051638403, ClinGen allele CA400903910.

ClinVar aggregate classification (germline): Uncertain significance (1 of 4 stars; one submission).

Conditions:
Primary ciliary dyskinesia. Also called: Ciliary dyskinesia. Identifiers: Orphanet 244, MedGen C0008780, MONDO:0016575, HP:0012265.

gnomAD v4.1: 3 of 1,614,126 alleles (0.00019%); no homozygotes.

Submission:

Labcorp Genetics (formerly Invitae), Labcorp
Classification: Uncertain significance for Primary ciliary dyskinesia. Last evaluated: 2022-10-14. Review status: criteria provided, single submitter. Criteria: Invitae Variant Classification Sherloc (09022015). Collection method: clinical testing. Allele origin: germline.
Comment: In summary, the available evidence is currently insufficient to determine the role of this variant in disease. Therefore, it has been classified as a Variant of Uncertain Significance. Advanced modeling of protein sequence and biophysical properties (such as structural, functional, and spatial information, amino acid conservation, physicochemical variation, residue mobility, and thermodynamic stability) performed at Invitae indicates that this missense variant is not expected to disrupt DNAI2 protein function. ClinVar contains an entry for this variant (Variation ID: 1007938). This variant has not been reported in the literature in individuals affected with DNAI2-related conditions. This variant is not present in population databases (gnomAD no frequency). This sequence change replaces glutamine, which is neutral and polar, with arginine, which is basic and polar, at codon 112 of the DNAI2 protein (p.Gln112Arg).